The following is an entry in ClinVar:

ClinVar aggregate classification (germline): Uncertain significance (1 of 4 stars; one submission).

Conditions:
Townes syndrome (TBS). Also called: Townes-Brocks syndrome. Identifiers: Orphanet 857, MedGen C0265246, MeSH C536974, MONDO:0007142.

Submission:

Labcorp Genetics (formerly Invitae), Labcorp
Classification: Uncertain significance for Townes syndrome. Last evaluated: 2025-04-28. Review status: criteria provided, single submitter. Criteria: Invitae Variant Classification Sherloc (09022015). Collection method: clinical testing. Allele origin: germline.
Comment: This sequence change replaces asparagine, which is neutral and polar, with lysine, which is basic and polar, at codon 1281 of the SALL1 protein (p.Asn1281Lys). This variant is not present in population databases (gnomAD no frequency). This variant has not been reported in the literature in individuals affected with SALL1-related conditions. ClinVar contains an entry for this variant (Variation ID: 1358915). An algorithm developed to predict the effect of missense changes on protein structure and function (PolyPhen-2) suggests that this variant is likely to be tolerated. In summary, the available evidence is currently insufficient to determine the role of this variant in disease. Therefore, it has been classified as a Variant of Uncertain Significance.

NM_002968.3(SALL1):c.3843C>G (p.Asn1281Lys)

Gene: SALL1 (spalt like transcription factor 1; minus strand). Cytogenetic location: 16q12.1.
Variant type: single nucleotide variant.
Coding change: c.3843C>G on transcript NM_002968.3 (MANE Select); coding-DNA position 3843, C replaced by G.
Protein change: p.Asn1281Lys; replaces asparagine 1281 with lysine.
Molecular consequence: missense variant.
Genome position (GRCh38, 1-based): chr16:51,137,244, G>C on the plus strand (C>G on the coding strand, the complement: SALL1 is on the minus strand). VCF-style: chr16-51137244-G-C. GRCh37 (hg19) VCF-style: chr16-51171155-G-C.
Other names: c.3552C>G, p.Asn1184Lys (NM_001127892.2); short protein forms N1184K, N1281K.
Identifiers: ClinVar variation 1358915 (VCV001358915.8), dbSNP rs1962320266, ClinGen allele CA395877845.